The following is an entry in ClinVar:

NM_000179.3(MSH6):c.2605T>C (p.Cys869Arg)

Gene: MSH6 (mutS homolog 6; plus strand). Cytogenetic location: 2p16.3.
Variant type: single nucleotide variant.
Coding change: c.2605T>C on transcript NM_000179.3 (MANE Select); coding-DNA position 2605, T replaced by C.
Protein change: p.Cys869Arg; replaces cysteine 869 with arginine.
Molecular consequence: missense variant.
Genome position (GRCh38, 1-based): chr2:47,800,588, T>C. VCF-style: chr2-47800588-T-C. GRCh37 (hg19) VCF-style: chr2-48027727-T-C.
Other names: c.2215T>C, p.Cys739Arg (NM_001281492.2); c.1699T>C, p.Cys567Arg (NM_001281493.2, NM_001281494.2); short protein forms C567R, C739R, C869R.
Identifiers: ClinVar variation 862766 (VCV000862766.13), dbSNP rs768941857, ClinGen allele CA069286.

ClinVar aggregate classification (germline): Conflicting classifications of pathogenicity. Review status: criteria provided, conflicting classifications (1 of 4 stars). 3 submissions from 3 submitters: Uncertain significance (2); Likely benign (1). Last evaluated 2025-04-14.

Conditions:
Hereditary cancer-predisposing syndrome. Also called: Hereditary Cancer Syndrome; Tumor predisposition; Neoplastic Syndromes, Hereditary; Hereditary neoplastic syndrome. Identifiers: Orphanet 140162, MedGen C0027672, MeSH D009386, MONDO:0015356.
Hereditary nonpolyposis colorectal neoplasms. Identifiers: MedGen C0009405, MeSH D003123.

Allele frequency attached by ClinVar (database versions not stated): gnomAD exomes below 0.00001; ExAC 0.00001.
gnomAD v4.1: 1 of 1,614,080 alleles (0.000062%); highest among the groups gnomAD compares: South Asian, 0.0011%; no homozygotes.

Submissions (3):

Labcorp Genetics (formerly Invitae), Labcorp
Classification: Likely benign for Hereditary nonpolyposis colorectal neoplasms. Last evaluated: 2025-04-14. Review status: criteria provided, single submitter. Criteria: Invitae Variant Classification Sherloc (09022015). Collection method: clinical testing. Allele origin: germline.

Quest Diagnostics Nichols Institute San Juan Capistrano
Classification: Uncertain significance. Last evaluated: 2024-06-20. Review status: criteria provided, single submitter. Criteria: Quest Diagnostics criteria. Collection method: clinical testing. Allele origin: unknown.
Comment: The MSH6 c.2605T>C (p.Cys869Arg) variant has not been reported in individuals with MSH6-related conditions in the published literature. The frequency of this variant in the general population, 0.000004 (1/249934 chromosomes (Genome Aggregation Database)), is uninformative in the assessment of its pathogenicity. Analysis of this variant using bioinformatics tools for the prediction of the effect of amino acid changes on protein structure and function yielded predictions that this variant is benign. Based on the available information, we are unable to determine the clinical significance of this variant.

Ambry Genetics
Classification: Uncertain significance for Hereditary cancer-predisposing syndrome. Last evaluated: 2021-04-21. Review status: criteria provided, single submitter. Criteria: Ambry Variant Classification Scheme 2023. Collection method: clinical testing. Allele origin: germline.
Comment: The p.C869R variant (also known as c.2605T>C), located in coding exon 4 of the MSH6 gene, results from a T to C substitution at nucleotide position 2605. The cysteine at codon 869 is replaced by arginine, an amino acid with highly dissimilar properties. This amino acid position is not well conserved in available vertebrate species. In addition, the in silico prediction for this alteration is inconclusive. Since supporting evidence is limited at this time, the clinical significance of this alteration remains unclear.